The following is an entry in ClinVar:

ClinVar aggregate classification (germline): Likely benign (1 of 4 stars; one submission).

Conditions:
Charcot-Marie-Tooth disease type 4B1. Also called: CHARCOT-MARIE-TOOTH DISEASE, AUTOSOMAL RECESSIVE, WITH FOCALLY FOLDED MYELIN SHEATHS, AUTOSOMAL RECESSIVE, TYPE 4B1; CHARCOT-MARIE-TOOTH DISEASE, TYPE 4B; Charcot-Marie-Tooth Neuropathy Type 4B1; CHARCOT-MARIE-TOOTH DISEASE, DEMYELINATING, TYPE 4B1. Identifiers: Orphanet 99955, MedGen C1832399, MONDO:0011066, OMIM 601382.

Allele frequency attached by ClinVar (database versions not stated): 1000 Genomes Project 0.00240; 1000 Genomes Project 30x 0.00328; gnomAD 0.00373 and 0.00401; TOPMed 0.00411.

Submission:

Illumina Laboratory Services, Illumina
Classification: Likely benign for Charcot-Marie-Tooth disease type 4B1. Last evaluated: 2018-01-13. Review status: criteria provided, single submitter. Criteria: ICSL Variant Classification Criteria 13 December 2019. Collection method: clinical testing. Allele origin: germline.
Comment: This variant was observed in the ICSL laboratory as part of a predisposition screen in an ostensibly healthy population. It had not been previously curated by ICSL or reported in the Human Gene Mutation Database (HGMD: prior to June 1st, 2018), and was therefore a candidate for classification through an automated scoring system. Utilizing variant allele frequency, disease prevalence and penetrance estimates, and inheritance mode, an automated score was calculated to assess if this variant is too frequent to cause the disease. Based on the score and internal cut-off values, a variant classified as likely benign is not then subjected to further curation. The score for this variant resulted in a classification of likely benign for this disease.

NM_016156.6(MTMR2):c.*1684A>C

Gene: MTMR2 (myotubularin related protein 2; minus strand). Cytogenetic location: 11q21.
Variant type: single nucleotide variant.
Coding change: c.*1684A>C on transcript NM_016156.6 (MANE Select); 1684 bases downstream of the stop codon, A replaced by C.
Molecular consequence: 3 prime UTR variant.
Genome position (GRCh38, 1-based): chr11:95,833,606, T>G on the plus strand (A>C on the coding strand, the complement: MTMR2 is on the minus strand). VCF-style: chr11-95833606-T-G. GRCh37 (hg19) VCF-style: chr11-95566770-T-G.
Other names: c.*1684A>C (NM_001243571.2, NM_201278.3, NM_201281.3).
Identifiers: ClinVar variation 306510 (VCV000306510.5), dbSNP rs79576160, ClinGen allele CA10640524.
Genomic context (GRCh38, chr11:95,833,606, plus strand): 5'-CAGAGAAGTGGTAGGGTTGCACTTAGATTTCCCTGGCTTTTGATTTGAATTTGAAGTGGA[T>G]GCAAGTATGTTAAGACTAGAAGCTTTAAATTCTTGATCTCTTCAGCCATTCTACATTCTT-3'